The following is an entry in ClinVar:

ClinVar aggregate classification (germline): Uncertain significance (1 of 4 stars; one submission).

Submission:

Ambry Genetics
Classification: Uncertain significance. Last evaluated: 2024-03-22. Review status: criteria provided, single submitter. Criteria: Ambry Variant Classification Scheme 2023. Collection method: clinical testing. Allele origin: germline.
Comment: The p.K361T variant (also known as c.1082A>C), located in coding exon 8 of the RINT1 gene, results from an A to C substitution at nucleotide position 1082. The lysine at codon 361 is replaced by threonine, an amino acid with similar properties. This amino acid position is conserved. In addition, this alteration is predicted to be tolerated by in silico analysis. Based on the available evidence, the clinical significance of this alteration remains unclear.

NM_021930.6(RINT1):c.1082A>C (p.Lys361Thr)

Gene: RINT1 (RAD50 interactor 1; plus strand). Cytogenetic location: 7q22.3.
Variant type: single nucleotide variant.
Coding change: c.1082A>C on transcript NM_021930.6 (MANE Select); coding-DNA position 1082, A replaced by C.
Protein change: p.Lys361Thr; replaces lysine 361 with threonine.
Molecular consequence: missense variant. On other transcripts: non-coding transcript variant (1).
Genome position (GRCh38, 1-based): chr7:105,550,140, A>C. VCF-style: chr7-105550140-A-C. GRCh37 (hg19) VCF-style: chr7-105190587-A-C.
Other names: c.848A>C, p.Lys283Thr (NM_001346599.2); c.59A>C, p.Lys20Thr (NM_001346600.2, NM_001346603.2); c.158A>C, p.Lys53Thr (NM_001346601.2); short protein forms K20T, K283T, K53T, K361T.
Identifiers: ClinVar variation 3314436 (VCV003314436.1).